The following is an entry in ClinVar:

ClinVar aggregate classification (germline): Uncertain significance (1 of 4 stars; one submission).

Conditions:
Severe combined immunodeficiency, autosomal recessive, T cell-negative, B cell-negative, NK cell-positive. Also called: SCID, T CELL-NEGATIVE, B CELL-NEGATIVE, NK CELL-POSITIVE; Severe combined immunodeficiency due to complete RAG1/2 deficiency; SCID, AR, T-cell negative, B-cell negative, NK cell-positive. Identifiers: Orphanet 331206, MedGen C1832322, MONDO:0011086, OMIM 601457.
Combined immunodeficiency with skin granulomas. Identifiers: Orphanet 157949, MedGen C2673536, MONDO:0009306, OMIM 233650.

Allele frequency attached by ClinVar (database versions not stated): ExAC 0.00001; gnomAD exomes 0.00001; gnomAD 0.00004 and 0.00005; TOPMed 0.00005.

Submission:

Labcorp Genetics (formerly Invitae), Labcorp
Classification: Uncertain significance for Combined immunodeficiency with skin granulomas; Severe combined immunodeficiency, autosomal recessive, T cell-negative, B cell-negative, NK cell-positive. Last evaluated: 2025-05-30. Review status: criteria provided, single submitter. Criteria: Invitae Variant Classification Sherloc (09022015). Collection method: clinical testing. Allele origin: germline.
Comment: This sequence change replaces threonine, which is neutral and polar, with proline, which is neutral and non-polar, at codon 338 of the RAG1 protein (p.Thr338Pro). This variant is present in population databases (rs773326832, gnomAD 0.02%). This variant has not been reported in the literature in individuals affected with RAG1-related conditions. ClinVar contains an entry for this variant (Variation ID: 646474). Invitae Evidence Modeling of protein sequence and biophysical properties (such as structural, functional, and spatial information, amino acid conservation, physicochemical variation, residue mobility, and thermodynamic stability) indicates that this missense variant is not expected to disrupt RAG1 protein function with a negative predictive value of 80%. In summary, the available evidence is currently insufficient to determine the role of this variant in disease. Therefore, it has been classified as a Variant of Uncertain Significance.

NM_000448.3(RAG1):c.1012A>C (p.Thr338Pro)

Gene: RAG1 (recombination activating 1; plus strand). Cytogenetic location: 11p12.
Variant type: single nucleotide variant.
Coding change: c.1012A>C on transcript NM_000448.3 (MANE Select); coding-DNA position 1012, A replaced by C.
Protein change: p.Thr338Pro; replaces threonine 338 with proline.
Molecular consequence: missense variant.
Genome position (GRCh38, 1-based): chr11:36,574,316, A>C. VCF-style: chr11-36574316-A-C. GRCh37 (hg19) VCF-style: chr11-36595866-A-C.
Other names: c.1012A>C, p.Thr338Pro (NM_001377277.1, NM_001377278.1, NM_001377279.1 and 1 more transcripts); short protein forms T338P.
Identifiers: ClinVar variation 646474 (VCV000646474.9), dbSNP rs773326832, ClinGen allele CA5950085.